The following is an entry in ClinVar:

ClinVar aggregate classification (germline): Uncertain significance (1 of 4 stars; one submission).

Submission:

Labcorp Genetics (formerly Invitae), Labcorp
Classification: Uncertain significance. Last evaluated: 2022-09-27. Review status: criteria provided, single submitter. Criteria: Invitae Variant Classification Sherloc (09022015). Collection method: clinical testing. Allele origin: germline.
Comment: In summary, the available evidence is currently insufficient to determine the role of this variant in disease. Therefore, it has been classified as a Variant of Uncertain Significance. This sequence change replaces aspartic acid, which is acidic and polar, with glycine, which is neutral and non-polar, at codon 6094 of the ADGRV1 protein (p.Asp6094Gly). This variant is not present in population databases (gnomAD no frequency). This variant has not been reported in the literature in individuals affected with ADGRV1-related conditions. Algorithms developed to predict the effect of missense changes on protein structure and function are either unavailable or do not agree on the potential impact of this missense change (SIFT: "Deleterious"; PolyPhen-2: "Probably Damaging"; Align-GVGD: "Class C0").

NM_032119.4(ADGRV1):c.18281A>G (p.Asp6094Gly)

Gene: ADGRV1 (adhesion G protein-coupled receptor V1; plus strand). Cytogenetic location: 5q14.3.
Variant type: single nucleotide variant.
Coding change: c.18281A>G on transcript NM_032119.4 (MANE Select); coding-DNA position 18281, A replaced by G.
Protein change: p.Asp6094Gly; replaces aspartic acid 6094 with glycine.
Molecular consequence: missense variant. On other transcripts: non-coding transcript variant (1).
Genome position (GRCh38, 1-based): chr5:91,072,575, A>G. VCF-style: chr5-91072575-A-G. GRCh37 (hg19) VCF-style: chr5-90368392-A-G.
Other names: short protein forms D6094G.
Identifiers: ClinVar variation 2129542 (VCV002129542.4), dbSNP rs2532547992, ClinGen allele CA360431908.